The following is an entry in ClinVar:

NM_024675.4(PALB2):c.2594C>G (p.Ser865Ter)

Gene: PALB2 (partner and localizer of BRCA2; minus strand). Cytogenetic location: 16p12.2.
Variant type: single nucleotide variant.
Coding change: c.2594C>G on transcript NM_024675.4 (MANE Select); coding-DNA position 2594, C replaced by G.
Protein change: p.Ser865Ter; replaces serine 865 with a stop codon.
Molecular consequence: nonsense.
Genome position (GRCh38, 1-based): chr16:23,626,390, G>C on the plus strand (C>G on the coding strand, the complement: PALB2 is on the minus strand). VCF-style: chr16-23626390-G-C. GRCh37 (hg19) VCF-style: chr16-23637711-G-C.
Other names: short protein forms S865*.
Identifiers: ClinVar variation 241547 (VCV000241547.12), dbSNP rs746604683, ClinGen allele CA10583360.
Genomic context (GRCh38, chr16:23,626,390, plus strand): 5'-GGCTCTTTACAACCGGCTCTTTCCCAAAACATGGCACTCACATCTACGGAACAGGAACCT[G>C]AAGGATTCTGACACAATGGCAACAGTTCTGTTAAAGTGGCACTCGAGTGCTGTTTTATGC-3'

ClinVar aggregate classification (germline): Pathogenic/Likely pathogenic. Review status: criteria provided, multiple submitters, no conflicts (2 of 4 stars). 4 submissions from 4 submitters: Pathogenic (3); Likely pathogenic (1). Last evaluated 2024-12-28.

Conditions:
Breast-ovarian cancer, familial, susceptibility to, 5 (BROVCA5). Identifiers: MedGen C5830615, MONDO:0957530, OMIM 620442.
Hereditary cancer-predisposing syndrome. Also called: Hereditary neoplastic syndrome; Hereditary Cancer Syndrome; Neoplastic Syndromes, Hereditary; Tumor predisposition. Identifiers: Orphanet 140162, MedGen C0027672, MeSH D009386, MONDO:0015356.
Familial cancer of breast. Also called: Hereditary breast cancer; BREAST CANCER, FAMILIAL; hereditary breast carcinoma. Identifiers: Orphanet 227535, MedGen C0346153, MONDO:0016419, OMIM 114480. Disease mechanism: loss of function.

Submissions (4):

Labcorp Genetics (formerly Invitae), Labcorp
Classification: Pathogenic for Familial cancer of breast. Last evaluated: 2024-12-28. Review status: criteria provided, single submitter. Criteria: Invitae Variant Classification Sherloc (09022015). Collection method: clinical testing. Allele origin: germline.
Comment: This sequence change creates a premature translational stop signal (p.Ser865*) in the PALB2 gene. It is expected to result in an absent or disrupted protein product. Loss-of-function variants in PALB2 are known to be pathogenic (PMID: 17200668, 17200671, 17200672, 24136930, 25099575). This variant is not present in population databases (gnomAD no frequency). This variant has not been reported in the literature in individuals affected with PALB2-related conditions. ClinVar contains an entry for this variant (Variation ID: 241547). Algorithms developed to predict the effect of sequence changes on RNA splicing suggest that this variant may disrupt the consensus splice site. For these reasons, this variant has been classified as Pathogenic.

Myriad Genetics, Inc.
Classification: Pathogenic for Familial cancer of breast. Last evaluated: 2023-09-13. Review status: criteria provided, single submitter. Criteria: Myriad Autosomal Dominant, Autosomal Recessive and X-Linked Classification Criteria (2023). Collection method: clinical testing. Allele origin: unknown.
Comment: This variant is considered pathogenic. This variant creates a termination codon and is predicted to result in premature protein truncation.

Ambry Genetics
Classification: Pathogenic for Hereditary cancer-predisposing syndrome. Last evaluated: 2023-08-03. Review status: criteria provided, single submitter. Criteria: Ambry Variant Classification Scheme 2023. Collection method: clinical testing. Allele origin: germline.
Comment: The p.S865* variant (also known as c.2594C>G), located in coding exon 7 of the PALB2 gene, results from a C to G substitution at nucleotide position 2594. This changes the amino acid from a serine to a stop codon within coding exon 7. This alteration has been reported in a Chinese breast cancer cohort (Kwong A. et al, Cancers (Basel) 2021 Aug;13(16)). In addition to the clinical data presented in the literature, this alteration is expected to result in loss of function by premature protein truncation or nonsense-mediated mRNA decay. As such, this alteration is interpreted as a disease-causing mutation.

Juno Genomics, Hangzhou Juno Genomics, Inc
Classification: Likely pathogenic for Breast-ovarian cancer, familial, susceptibility to, 5. Review status: criteria provided, single submitter. Criteria: ACMG Guidelines, 2015. Collection method: clinical testing. Allele origin: germline.
Comment: Absent from controls (or at extremely low frequency if recessive) in Genome Aggregation Database.;Null variant in a gene where loss of function (LOF) is a known mechanism of disease.

Literature cited by the submitters: PubMed 17200668 (cited by Labcorp Genetics (formerly Invitae), Labcorp); PubMed 17200671 (cited by Labcorp Genetics (formerly Invitae), Labcorp); PubMed 17200672 (cited by Labcorp Genetics (formerly Invitae), Labcorp); PubMed 24136930 (cited by Labcorp Genetics (formerly Invitae), Labcorp); PubMed 25099575 (cited by Labcorp Genetics (formerly Invitae), Labcorp).